The following is an entry in ClinVar:

NM_004963.4(GUCY2C):c.1756G>A (p.Asp586Asn)

Gene: GUCY2C (guanylate cyclase 2C; minus strand). Cytogenetic location: 12p12.3.
Variant type: single nucleotide variant.
Coding change: c.1756G>A on transcript NM_004963.4 (MANE Select); coding-DNA position 1756, G replaced by A.
Protein change: p.Asp586Asn; replaces aspartic acid 586 with asparagine.
Molecular consequence: missense variant.
Genome position (GRCh38, 1-based): chr12:14,645,270, C>T on the plus strand (G>A on the coding strand, the complement: GUCY2C is on the minus strand). VCF-style: chr12-14645270-C-T. GRCh37 (hg19) VCF-style: chr12-14798204-C-T.
Other names: short protein forms D586N.
Identifiers: ClinVar variation 1374251 (VCV001374251.8), dbSNP rs773167536, ClinGen allele CA6463297.

ClinVar aggregate classification (germline): Uncertain significance (1 of 4 stars; one submission).

Allele frequency attached by ClinVar (database versions not stated): TOPMed below 0.00001.
gnomAD v4.1: 7 of 1,597,546 alleles (0.00044%); highest among the groups gnomAD compares: Non-Finnish European, 0.00043%; no homozygotes.

Submission:

Labcorp Genetics (formerly Invitae), Labcorp
Classification: Uncertain significance. Last evaluated: 2025-01-29. Review status: criteria provided, single submitter. Criteria: Invitae Variant Classification Sherloc (09022015). Collection method: clinical testing. Allele origin: germline.
Comment: This sequence change replaces aspartic acid, which is acidic and polar, with asparagine, which is neutral and polar, at codon 586 of the GUCY2C protein (p.Asp586Asn). This variant is present in population databases (rs773167536, gnomAD 0.003%). This variant has not been reported in the literature in individuals affected with GUCY2C-related conditions. ClinVar contains an entry for this variant (Variation ID: 1374251). Invitae Evidence Modeling of protein sequence and biophysical properties (such as structural, functional, and spatial information, amino acid conservation, physicochemical variation, residue mobility, and thermodynamic stability) has been performed for this missense variant. However, the output from this modeling did not meet the statistical confidence thresholds required to predict the impact of this variant on GUCY2C protein function. In summary, the available evidence is currently insufficient to determine the role of this variant in disease. Therefore, it has been classified as a Variant of Uncertain Significance.